The following is an entry in ClinVar:

ClinVar aggregate classification (germline): Uncertain significance (1 of 4 stars; one submission).

Allele frequency attached by ClinVar (database versions not stated): TOPMed below 0.00001.

Submission:

Labcorp Genetics (formerly Invitae), Labcorp
Classification: Uncertain significance. Last evaluated: 2022-03-31. Review status: criteria provided, single submitter. Criteria: Invitae Variant Classification Sherloc (09022015). Collection method: clinical testing. Allele origin: germline.
Comment: In summary, the available evidence is currently insufficient to determine the role of this variant in disease. Therefore, it has been classified as a Variant of Uncertain Significance. Algorithms developed to predict the effect of missense changes on protein structure and function are either unavailable or do not agree on the potential impact of this missense change (SIFT: "Deleterious"; PolyPhen-2: "Probably Damaging"; Align-GVGD: "Class C0"). This variant has not been reported in the literature in individuals affected with FSCN2-related conditions. This variant is not present in population databases (gnomAD no frequency). This sequence change replaces serine, which is neutral and polar, with asparagine, which is neutral and polar, at codon 62 of the FSCN2 protein (p.Ser62Asn).

NM_012418.4(FSCN2):c.185G>A (p.Ser62Asn)

Gene: FSCN2 (fascin actin-bundling protein 2, retinal; plus strand). Cytogenetic location: 17q25.3.
Variant type: single nucleotide variant.
Coding change: c.185G>A on transcript NM_012418.4 (MANE Select); coding-DNA position 185, G replaced by A.
Protein change: p.Ser62Asn; replaces serine 62 with asparagine.
Molecular consequence: missense variant.
Genome position (GRCh38, 1-based): chr17:81,528,716, G>A. VCF-style: chr17-81528716-G-A. GRCh37 (hg19) VCF-style: chr17-79495742-G-A.
Other names: c.185G>A, p.Ser62Asn (NM_001077182.3); short protein forms S62N.
Identifiers: ClinVar variation 2044309 (VCV002044309.4), dbSNP rs2032434323, ClinGen allele CA401470142.
Genomic context (GRCh38, chr17:81,528,716, plus strand): 5'-GGAAGCAGACCTGGGTGCTGGAACCCGACCCAGGACAAGGCACGGCTGTGCTGCTCCGCA[G>A]CAGCCACCTGGGCCGCTACCTGTCGGCAGAAGAGGACGGGCGCGTGGCCTGTGAGGCAGA-3'
Protein context (NP_036550.1, residues 52-72): PGQGTAVLLR[Ser62Asn]SHLGRYLSAE